The following is an entry in ClinVar:

ClinVar aggregate classification (germline): Uncertain significance (1 of 4 stars; one submission).

Submission:

Ambry Genetics
Classification: Uncertain significance. Last evaluated: 2025-03-16. Review status: criteria provided, single submitter. Criteria: Ambry Variant Classification Scheme 2023. Collection method: clinical testing. Allele origin: germline.
Comment: The c.1744A>C (p.M582L) alteration is located in exon (coding exon ) of the HIPK2 gene. This alteration results from a A to C substitution at nucleotide position 1744, causing the methionine (M) at amino acid position 582 to be replaced by a leucine (L). Based on insufficient or conflicting evidence, the clinical significance of this alteration remains unclear.

NM_022740.5(HIPK2):c.1744A>C (p.Met582Leu)

Gene: HIPK2 (homeodomain interacting protein kinase 2; minus strand). Cytogenetic location: 7q34.
Variant type: single nucleotide variant.
Coding change: c.1744A>C on transcript NM_022740.5 (MANE Select); coding-DNA position 1744, A replaced by C.
Protein change: p.Met582Leu; replaces methionine 582 with leucine.
Molecular consequence: missense variant.
Genome position (GRCh38, 1-based): chr7:139,620,439, T>G on the plus strand (A>C on the coding strand, the complement: HIPK2 is on the minus strand). VCF-style: chr7-139620439-T-G. GRCh37 (hg19) VCF-style: chr7-139305185-T-G.
Other names: c.1744A>C, p.Met582Leu (NM_001113239.3); short protein forms M582L.
Identifiers: ClinVar variation 4035269 (VCV004035269.1).